The following is an entry in ClinVar:

ClinVar aggregate classification (germline): Uncertain significance (1 of 4 stars; one submission).

Submission:

CeGaT Center for Human Genetics Tuebingen
Classification: Uncertain significance. Last evaluated: 2022-06-01. Review status: criteria provided, single submitter. Criteria: CeGaT Center For Human Genetics Tuebingen Variant Classification Criteria Version 2. Collection method: clinical testing. Allele origin: germline. Affected: yes. Observed: 1 variant allele.
Comment: GABBR2: PM2, PS2:Moderate, PP2

NM_005458.8(GABBR2):c.692G>A (p.Ser231Asn)

Genes: GABBR2 (gamma-aminobutyric acid type B receptor subunit 2; minus strand), LOC126860700 (CDK7 strongly-dependent group 2 enhancer GRCh37_chr9:101257622-101258821; plus strand). Cytogenetic location: 9q22.33.
Variant type: single nucleotide variant.
Coding change: c.692G>A on transcript NM_005458.8 (MANE Select); coding-DNA position 692, G replaced by A.
Protein change: p.Ser231Asn; replaces serine 231 with asparagine.
Molecular consequence: missense variant.
Genome position (GRCh38, 1-based): chr9:98,496,453, C>T on the plus strand (G>A on the coding strand, the complement: GABBR2 is on the minus strand). VCF-style: chr9-98496453-C-T. GRCh37 (hg19) VCF-style: chr9-101258735-C-T.
Other names: short protein forms S231N.
Identifiers: ClinVar variation 1695257 (VCV001695257.31), dbSNP rs2131671020, ClinGen allele CA374349261.